The following is an entry in ClinVar:

NM_001375405.1(CEP120):c.2203A>G (p.Arg735Gly)

Gene: CEP120 (centrosomal protein 120; minus strand). Cytogenetic location: 5q23.2.
Variant type: single nucleotide variant.
Coding change: c.2203A>G on transcript NM_001375405.1 (MANE Select); coding-DNA position 2203, A replaced by G.
Protein change: p.Arg735Gly; replaces arginine 735 with glycine.
Molecular consequence: missense variant. On other transcripts: non-coding transcript variant (1).
Genome position (GRCh38, 1-based): chr5:123,377,529, T>C on the plus strand (A>G on the coding strand, the complement: CEP120 is on the minus strand). VCF-style: chr5-123377529-T-C. GRCh37 (hg19) VCF-style: chr5-122713223-T-C.
Other names: c.2125A>G, p.Arg709Gly (NM_001166226.2); c.2068A>G, p.Arg690Gly (NM_001375406.1); c.2203A>G, p.Arg735Gly (NM_001375407.1, NM_153223.4); c.1630A>G, p.Arg544Gly (NM_001375408.1, NM_001375409.1); short protein forms R709G, R735G, R544G, R690G.
Identifiers: ClinVar variation 2569057 (VCV002569057.4), dbSNP rs766787576, ClinGen allele CA3386693.
Genomic context (GRCh38, chr5:123,377,529, plus strand): 5'-TAGAGTCCTGCAGTTCTTGCAGGTTCCGCTGACGTTCTGATTGCAGTTCCTTTTTTTCTC[T>C]TTGAAGCTTAAAACAAAGGCATCTTTAAGAGGTTGGTTTATTGCTAGCTGCATTATACTA-3'
Protein context (NP_001362334.1, residues 725-745): QLASVESELQ[Arg735Gly]EKKELQSERQ

ClinVar aggregate classification (germline): Conflicting classifications of pathogenicity. Review status: criteria provided, conflicting classifications (1 of 4 stars). 2 submissions from 2 submitters: Uncertain significance (1); Likely benign (1). Last evaluated 2025-08-23.

Conditions:
Inborn genetic diseases. Identifiers: MedGen C0950123, MeSH D030342.
Short-rib thoracic dysplasia 13 with or without polydactyly (SRTD13). Identifiers: Orphanet 474, MedGen C4225378, MONDO:0014577, OMIM 616300.

Allele frequency attached by ClinVar (database versions not stated): gnomAD exomes 0.00008; TOPMed 0.00001; ExAC 0.00013; gnomAD 0.00004.
gnomAD v4.1: 115 of 1,580,058 alleles (0.0073%); highest among the groups gnomAD compares: Middle Eastern, 0.05%; no homozygotes.

Submissions (2):

Labcorp Genetics (formerly Invitae), Labcorp
Classification: Uncertain significance for Short-rib thoracic dysplasia 13 with or without polydactyly. Last evaluated: 2025-08-23. Review status: criteria provided, single submitter. Criteria: Invitae Variant Classification Sherloc (09022015). Collection method: clinical testing. Allele origin: germline.
Comment: This sequence change replaces arginine, which is basic and polar, with glycine, which is neutral and non-polar, at codon 735 of the CEP120 protein (p.Arg735Gly). This variant is present in population databases (rs766787576, gnomAD 0.04%). This variant has not been reported in the literature in individuals affected with CEP120-related conditions. ClinVar contains an entry for this variant (Variation ID: 2569057). Invitae Evidence Modeling of protein sequence and biophysical properties (such as structural, functional, and spatial information, amino acid conservation, physicochemical variation, residue mobility, and thermodynamic stability) indicates that this missense variant is expected to disrupt CEP120 protein function with a positive predictive value of 80%. In summary, the available evidence is currently insufficient to determine the role of this variant in disease. Therefore, it has been classified as a Variant of Uncertain Significance.

Ambry Genetics
Classification: Likely benign for Inborn genetic diseases. Last evaluated: 2023-05-22. Review status: criteria provided, single submitter. Criteria: Ambry Variant Classification Scheme 2023. Collection method: clinical testing. Allele origin: germline.